The following is an entry in ClinVar:

NM_000455.5(STK11):c.303A>G (p.Leu101=)

Gene: STK11 (serine/threonine kinase 11; plus strand). Cytogenetic location: 19p13.3.
Variant type: single nucleotide variant.
Coding change: c.303A>G on transcript NM_000455.5 (MANE Select); coding-DNA position 303, A replaced by G.
Protein change: p.Leu101=; no amino-acid change (leucine 101 retained).
Molecular consequence: synonymous variant.
Genome position (GRCh38, 1-based): chr19:1,218,429, A>G. VCF-style: chr19-1218429-A-G. GRCh37 (hg19) VCF-style: chr19-1218428-A-G.
Identifiers: ClinVar variation 386590 (VCV000386590.21), dbSNP rs1057522543, ClinGen allele CA16608006.
Genomic context (GRCh38, chr19:1,218,429, plus strand): 5'-CATCCTGACGTTGGGTCGGCTGATACACCCCTGTCCTCTCTGTCCCAGGGAAATTCAACT[A>G]CTGAGGAGGTTACGGCACAAAAATGTCATCCAGCTGGTGGATGTGTTATACAACGAAGAG-3'
Protein context (NP_000446.1, residues 91-111): GEANVKKEIQ[Leu101=]LRRLRHKNVI

ClinVar aggregate classification (germline): Benign/Likely benign. Review status: criteria provided, multiple submitters, no conflicts (2 of 4 stars). 7 submissions from 7 submitters: Benign (1); Likely benign (6). Last evaluated 2026-01-26.

Conditions:
Peutz-Jeghers syndrome (PJS). Also called: POLYPOSIS, HAMARTOMATOUS INTESTINAL; POLYPS-AND-SPOTS SYNDROME; Peutz-Jeghers polyposis; Periorificial lentiginosis syndrome. Identifiers: Orphanet 2869, MedGen C0031269, MeSH D010580, MONDO:0008280, OMIM 175200.
Familial pancreatic carcinoma. Identifiers: Orphanet 1333, MedGen C2931038, MONDO:0015278, OMIM 260350.
Hereditary cancer-predisposing syndrome. Also called: Neoplastic Syndromes, Hereditary; Hereditary neoplastic syndrome; Tumor predisposition; Hereditary Cancer Syndrome. Identifiers: Orphanet 140162, MedGen C0027672, MeSH D009386, MONDO:0015356.

Allele frequency attached by ClinVar (database versions not stated): gnomAD exomes below 0.00001; TOPMed below 0.00001.

Submissions (7):

Labcorp Genetics (formerly Invitae), Labcorp
Classification: Likely benign for Peutz-Jeghers syndrome. Last evaluated: 2026-01-26. Review status: criteria provided, single submitter. Criteria: Invitae Variant Classification Sherloc (09022015). Collection method: clinical testing. Allele origin: germline.

Myriad Genetics, Inc.
Classification: Benign for Peutz-Jeghers syndrome. Last evaluated: 2025-03-25. Review status: criteria provided, single submitter. Criteria: Myriad Autosomal Dominant, Autosomal Recessive and X-Linked Classification Criteria (2023). Collection method: clinical testing. Allele origin: unknown.
Comment: This variant is considered benign. This variant is a silent/synonymous amino acid change and it is not expected to impact splicing.

All of Us Research Program, National Institutes of Health
Classification: Likely benign for Peutz-Jeghers syndrome. Last evaluated: 2023-07-07. Review status: criteria provided, single submitter. Criteria: ACMG Guidelines, 2015. Collection method: clinical testing. Allele origin: germline. Inheritance: Autosomal dominant inheritance. Observed: 1 variant allele, 1 heterozygote.
Comment: This study involves interpretation of variants in research participants for the purpose of population health screening. Participant phenotype was not available at the time of variant classification. Additional details can be found in publication PMID: 35346344, PMCID: PMC8962531

Department of Pathology and Laboratory Medicine, Sinai Health System
Classification: Likely benign for Peutz-Jeghers syndrome; Familial pancreatic carcinoma. Last evaluated: 2022-01-18. Review status: criteria provided, single submitter. Criteria: ACMG Guidelines, 2015. Collection method: clinical testing. Allele origin: germline. Affected: yes.

Color Diagnostics, LLC DBA Color Health
Classification: Likely benign for Hereditary cancer-predisposing syndrome. Last evaluated: 2017-01-12. Review status: criteria provided, single submitter. Criteria: ACMG Guidelines, 2015. Collection method: clinical testing. Allele origin: germline.

Ambry Genetics
Classification: Likely benign for Hereditary cancer-predisposing syndrome. Last evaluated: 2016-11-14. Review status: criteria provided, single submitter. Criteria: Ambry Variant Classification Scheme 2023. Collection method: clinical testing. Allele origin: germline.

GeneDx
Classification: Likely benign. Last evaluated: 2016-05-26. Review status: criteria provided, single submitter. Criteria: GeneDx Variant Classification (06012015). Collection method: clinical testing. Allele origin: germline. Affected: yes.
Comment: This variant is considered likely benign or benign based on one or more of the following criteria: it is a conservative change, it occurs at a poorly conserved position in the protein, it is predicted to be benign by multiple in silico algorithms, and/or has population frequency not consistent with disease.